The following is an entry in ClinVar:

ClinVar aggregate classification (germline): Uncertain significance (1 of 4 stars; one submission).

Conditions:
Oligodontia-cancer predisposition syndrome. Also called: TOOTH AGENESIS-COLORECTAL CANCER SYNDROME. Identifiers: Orphanet 300576, MedGen C1837750, MONDO:0012075, OMIM 608615. Disease mechanism: loss of function.

Submission:

Labcorp Genetics (formerly Invitae), Labcorp
Classification: Uncertain significance for Oligodontia-cancer predisposition syndrome. Last evaluated: 2022-10-04. Review status: criteria provided, single submitter. Criteria: Invitae Variant Classification Sherloc (09022015). Collection method: clinical testing. Allele origin: germline.
Comment: This variant, c.1725_1726insTAC, results in the insertion of 1 amino acid(s) of the AXIN2 protein (p.Gly575_Ser576insTyr), but otherwise preserves the integrity of the reading frame. In summary, the available evidence is currently insufficient to determine the role of this variant in disease. Therefore, it has been classified as a Variant of Uncertain Significance. This variant has not been reported in the literature in individuals affected with AXIN2-related conditions. This variant is not present in population databases (gnomAD no frequency).

NM_004655.4(AXIN2):c.1725_1726insTAC (p.Gly575_Ser576insTyr)

Gene: AXIN2 (axin 2; minus strand). Cytogenetic location: 17q24.1.
Variant type: Insertion.
Coding change: c.1725_1726insTAC on transcript NM_004655.4 (MANE Select); coding-DNA positions 1725 to 1726, TAC inserted.
Protein change: p.Gly575_Ser576insTyr.
Molecular consequence: inframe insertion. On other transcripts: intron variant (1).
Genome position: GRCh38 VCF-style: chr17-65537050-T-TGTA. GRCh37 (hg19) VCF-style: chr17-63533168-T-TGTA.
Other names: c.1712+273_1712+274insCTA (NM_001363813.1).
Identifiers: ClinVar variation 1910821 (VCV001910821.5), dbSNP rs2509409004, ClinGen allele CA2580094700.